The following is an entry in ClinVar:

ClinVar aggregate classification (germline): Uncertain significance (1 of 4 stars; one submission).

Allele frequency attached by ClinVar (database versions not stated): ExAC 0.00001.

Submission:

Labcorp Genetics (formerly Invitae), Labcorp
Classification: Uncertain significance. Last evaluated: 2022-02-20. Review status: criteria provided, single submitter. Criteria: Invitae Variant Classification Sherloc (09022015). Collection method: clinical testing. Allele origin: germline.
Comment: This sequence change replaces cysteine, which is neutral and slightly polar, with tyrosine, which is neutral and polar, at codon 2635 of the ASPM protein (p.Cys2635Tyr). This variant is present in population databases (rs759472166, gnomAD 0.006%). In summary, the available evidence is currently insufficient to determine the role of this variant in disease. Therefore, it has been classified as a Variant of Uncertain Significance. Algorithms developed to predict the effect of missense changes on protein structure and function (SIFT, PolyPhen-2, Align-GVGD) all suggest that this variant is likely to be tolerated. This variant has not been reported in the literature in individuals affected with ASPM-related conditions.

NM_018136.5(ASPM):c.7904G>A (p.Cys2635Tyr)

Gene: ASPM (assembly factor for spindle microtubules; minus strand). Cytogenetic location: 1q31.3.
Variant type: single nucleotide variant.
Coding change: c.7904G>A on transcript NM_018136.5 (MANE Select); coding-DNA position 7904, G replaced by A.
Protein change: p.Cys2635Tyr; replaces cysteine 2635 with tyrosine.
Molecular consequence: missense variant. On other transcripts: intron variant (1).
Genome position (GRCh38, 1-based): chr1:197,101,347, C>T on the plus strand (G>A on the coding strand, the complement: ASPM is on the minus strand). VCF-style: chr1-197101347-C-T. GRCh37 (hg19) VCF-style: chr1-197070477-C-T.
Other names: c.4066-5183G>A (NM_001206846.2); short protein forms C2635Y.
Identifiers: ClinVar variation 1955028 (VCV001955028.5), dbSNP rs759472166, ClinGen allele CA1309319.